The following is an entry in ClinVar:

ClinVar aggregate classification (germline): Uncertain significance. Review status: criteria provided, multiple submitters, no conflicts (2 of 4 stars). 3 submissions from 3 submitters: Uncertain significance (3). Last evaluated 2025-11-24.

Conditions:
Hereditary cancer-predisposing syndrome. Also called: Hereditary Cancer Syndrome; Hereditary neoplastic syndrome; Neoplastic Syndromes, Hereditary; Tumor predisposition. Identifiers: Orphanet 140162, MedGen C0027672, MeSH D009386, MONDO:0015356.
Rhabdoid tumor predisposition syndrome 2 (RTPS2). Identifiers: Orphanet 231108, Orphanet 69077, MedGen C2750074, MONDO:0013224, OMIM 613325.

Allele frequency attached by ClinVar (database versions not stated): gnomAD 0.00001.
gnomAD v4.1: 1 of 1,613,964 alleles (0.000062%); highest among the groups gnomAD compares: South Asian, 0.0011%; no homozygotes.

Submissions (3):

Labcorp Genetics (formerly Invitae), Labcorp
Classification: Uncertain significance for Rhabdoid tumor predisposition syndrome 2. Last evaluated: 2025-11-24. Review status: criteria provided, single submitter. Criteria: Invitae Variant Classification Sherloc (09022015). Collection method: clinical testing. Allele origin: germline.
Comment: This sequence change replaces glutamic acid, which is acidic and polar, with aspartic acid, which is acidic and polar, at codon 1615 of the SMARCA4 protein (p.Glu1615Asp). This variant is not present in population databases (gnomAD no frequency). This variant has not been reported in the literature in individuals affected with SMARCA4-related conditions. ClinVar contains an entry for this variant (Variation ID: 1692595). Invitae Evidence Modeling of protein sequence and biophysical properties (such as structural, functional, and spatial information, amino acid conservation, physicochemical variation, residue mobility, and thermodynamic stability) indicates that this missense variant is not expected to disrupt SMARCA4 protein function with a negative predictive value of 95%. In summary, the available evidence is currently insufficient to determine the role of this variant in disease. Therefore, it has been classified as a Variant of Uncertain Significance.

Sema4
Classification: Uncertain significance for Hereditary cancer-predisposing syndrome. Last evaluated: 2022-03-18. Review status: criteria provided, single submitter. Criteria: Sema4 Curation Guidelines. Collection method: curation. Allele origin: germline.
Comment: The SMARCA4 c.4845G>C (p.E1615D) variant has not been reported in the literature to our knowledge. This variant is not reported in the population database Genome Aggregation Database (PMID: 32461654). The variant has not been reported in ClinVar. Functional studies have not been performed, and in silico predictions of the variant's effect on protein function are inconclusive. The evidence is insufficient to meet ACMG/AMP criteria for classifying the variant as benign or pathogenic. Thus, the clinical significance of this variant is currently uncertain.

Ambry Genetics
Classification: Uncertain significance for Hereditary cancer-predisposing syndrome. Last evaluated: 2021-07-26. Review status: criteria provided, single submitter. Criteria: Ambry Variant Classification Scheme 2023. Collection method: clinical testing. Allele origin: germline.
Comment: The p.E1615D variant (also known as c.4845G>C), located in coding exon 33 of the SMARCA4 gene, results from a G to C substitution at nucleotide position 4845. The glutamic acid at codon 1615 is replaced by aspartic acid, an amino acid with highly similar properties. This amino acid position is not well conserved in available vertebrate species. In addition, this alteration is predicted to be tolerated by in silico analysis. Missense and in-frame variants in SMARCA4 are known to cause neurodevelopmental disorders; however, such associations with rhabdoid tumor predisposition syndrome including small cell carcinoma of the ovary-hypercalcemic type (SCCOHT) are exceedingly rare (Kosho T et al. Am J Med Genet C Semin Med Genet. 2014 Sep;166C(3):262-75; Jelinic P et al. Nat Genet. 2014 May;46(5):424-6). Based on the supporting evidence, the association of this alteration with Coffin-Siris syndrome is unknown; however, the association of this alteration with rhabdoid tumor predisposition syndrome is unlikely.

NM_003072.5(SMARCA4):c.4749G>C (p.Glu1583Asp)

Gene: SMARCA4 (SWI/SNF related BAF chromatin remodeling complex subunit ATPase 4; plus strand). Cytogenetic location: 19p13.2.
Variant type: single nucleotide variant.
Coding change: c.4749G>C on transcript NM_003072.5 (MANE Select); coding-DNA position 4749, G replaced by C.
Protein change: p.Glu1583Asp; replaces glutamic acid 1583 with aspartic acid.
Molecular consequence: missense variant. On other transcripts: non-coding transcript variant (1).
Genome position (GRCh38, 1-based): chr19:11,059,866, G>C. VCF-style: chr19-11059866-G-C. GRCh37 (hg19) VCF-style: chr19-11170542-G-C.
Other names: c.4749G>C, p.Glu1583Asp (NM_001128844.3); c.4659G>C, p.Glu1553Asp (NM_001128845.2); c.4656G>C, p.Glu1552Asp (NM_001128846.2); c.4650G>C, p.Glu1550Asp (NM_001128847.4, NM_001374457.1); c.4647G>C, p.Glu1549Asp (NM_001128848.2); c.4845G>C, p.Glu1615Asp (NM_001128849.3, NM_001387283.1); short protein forms E1549D, E1550D, E1552D, E1553D, E1583D, E1615D.
Identifiers: ClinVar variation 1692595 (VCV001692595.6), dbSNP rs1205508248, ClinGen allele CA404079789.
Genomic context (GRCh38, chr19:11,059,866, plus strand): 5'-AATCGAGAAGGAGGATGACAGTGAAGGCGAGGAGAGTGAGGAGGAGGAAGAGGGCGAGGA[G>C]GAAGGCTCCGAATCCGAATGTGAGTCCCGGGGGGGTTCAGGACGCCGGGGTTCACGCTGG-3'
Protein context (NP_003063.2, residues 1573-1593): EESEEEEEGE[Glu1583Asp]EGSESESRSV